The following is an entry in ClinVar:

NM_001040436.3(YARS2):c.122C>T (p.Ala41Val)

Gene: YARS2 (tyrosyl-tRNA synthetase 2; minus strand). Cytogenetic location: 12p11.21.
Variant type: single nucleotide variant.
Coding change: c.122C>T on transcript NM_001040436.3 (MANE Select); coding-DNA position 122, C replaced by T.
Protein change: p.Ala41Val; replaces alanine 41 with valine.
Molecular consequence: missense variant.
Genome position (GRCh38, 1-based): chr12:32,755,753, G>A on the plus strand (C>T on the coding strand, the complement: YARS2 is on the minus strand). VCF-style: chr12-32755753-G-A. GRCh37 (hg19) VCF-style: chr12-32908687-G-A.
Other names: short protein forms A41V.
Identifiers: ClinVar variation 3766288 (VCV003766288.1).
Genomic context (GRCh38, chr12:32,755,753, plus strand): 5'-AGCTCTATTTTCGTCCCCGTCTCCGGGAAGAAGTCCTTGAACAGACCTCGAGCCTTCTGC[G>A]CTGCCAGTAACCCCTGAGCGCCCGAGTGGGCCTTACGCAGCCCCAAGGGCAACAATACTG-3'
Protein context (NP_001035526.1, residues 31-51): AHSGAQGLLA[Ala41Val]QKARGLFKDF

ClinVar aggregate classification (germline): Uncertain significance (1 of 4 stars; one submission).

gnomAD v4.1: 8 of 1,613,886 alleles (0.0005%); highest among the groups gnomAD compares: East Asian, 0.0045%; no homozygotes.

Submission:

GeneDx
Classification: Uncertain significance. Last evaluated: 2024-08-26. Review status: criteria provided, single submitter. Criteria: GeneDx Variant Classification Process June 2021. Collection method: clinical testing. Allele origin: germline. Affected: yes.
Comment: Not observed at significant frequency in large population cohorts (gnomAD); In silico analysis indicates that this missense variant does not alter protein structure/function; Has not been previously published as pathogenic or benign to our knowledge